The following is an entry in ClinVar:

ClinVar aggregate classification (germline): Uncertain significance (1 of 4 stars; one submission).

Conditions:
FGA-related disorder. Also called: FGA-related disorders; FGA-related condition.

Allele frequency attached by ClinVar (database versions not stated): ExAC 0.00002; TOPMed below 0.00001; gnomAD 0.00001.
gnomAD v4.1: 8 of 1,613,930 alleles (0.0005%); highest among the groups gnomAD compares: Non-Finnish European, 0.00051%; no homozygotes.

Submission:

PreventionGenetics, part of Exact Sciences
Classification: Uncertain significance for FGA-related condition. Last evaluated: 2025-05-12. Review status: criteria provided, single submitter. Criteria: ACMG Guidelines, 2015. Collection method: clinical testing. Allele origin: germline.
Comment: The FGA c.2060G>A variant is predicted to result in the amino acid substitution p.Arg687Gln. To our knowledge, this variant has not been reported in the literature. This variant is reported in 0.0040% of alleles in individuals of African descent in gnomAD. At this time, the clinical significance of this variant is uncertain due to the absence of conclusive functional and genetic evidence.

NM_000508.5(FGA):c.2060G>A (p.Arg687Gln)

Gene: FGA (fibrinogen alpha chain; minus strand). Cytogenetic location: 4q31.3.
Variant type: single nucleotide variant.
Coding change: c.2060G>A on transcript NM_000508.5; coding-DNA position 2060, G replaced by A.
Protein change: p.Arg687Gln; replaces arginine 687 with glutamine.
Molecular consequence: missense variant.
Genome position (GRCh38, 1-based): chr4:154,584,665, C>T on the plus strand (G>A on the coding strand, the complement: FGA is on the minus strand). VCF-style: chr4-154584665-C-T. GRCh37 (hg19) VCF-style: chr4-155505817-C-T.
Other names: short protein forms R687Q.
Identifiers: ClinVar variation 2629531 (VCV002629531.2), dbSNP rs773021324, ClinGen allele CA3114947.
Genomic context (GRCh38, chr4:154,584,665, plus strand): 5'-AATTCTCCTTCCCCCTCGTCATTCAGGCTGCCGAAACCTCTCTTGTAGTCTTGCCAGGTC[C>T]GGTTAAAATTCAGTGATCCATCCATTCTTTGCTGGATCAAAAGCCATCCTCCCAAACTGG-3'